The following is an entry in ClinVar:

NM_016156.6(MTMR2):c.265A>G (p.Lys89Glu)

Gene: MTMR2 (myotubularin related protein 2; minus strand). Cytogenetic location: 11q21.
Variant type: single nucleotide variant.
Coding change: c.265A>G on transcript NM_016156.6 (MANE Select); coding-DNA position 265, A replaced by G.
Protein change: p.Lys89Glu; replaces lysine 89 with glutamic acid.
Molecular consequence: missense variant.
Genome position (GRCh38, 1-based): chr11:95,862,364, T>C on the plus strand (A>G on the coding strand, the complement: MTMR2 is on the minus strand). VCF-style: chr11-95862364-T-C. GRCh37 (hg19) VCF-style: chr11-95595528-T-C.
Other names: c.49A>G, p.Lys17Glu (NM_001243571.2, NM_201278.3, NM_201281.3); short protein forms K17E, K89E.
Identifiers: ClinVar variation 2498530 (VCV002498530.28), dbSNP rs2496597626, ClinGen allele CA382430430.

ClinVar aggregate classification (germline): Uncertain significance (1 of 4 stars; one submission).

Allele frequency attached by ClinVar (database versions not stated): gnomAD exomes below 0.00001.
gnomAD v4.1: 1 of 1,613,614 alleles (0.000062%); highest among the groups gnomAD compares: Non-Finnish European, 0.000085%; no homozygotes.

Submission:

CeGaT Center for Human Genetics Tuebingen
Classification: Uncertain significance. Last evaluated: 2023-03-01. Review status: criteria provided, single submitter. Criteria: CeGaT Center For Human Genetics Tuebingen Variant Classification Criteria Version 2. Collection method: clinical testing. Allele origin: germline. Affected: yes. Observed: 1 variant allele.
Comment: MTMR2: PM2, PP3